The following is an entry in ClinVar:

NM_018972.4(GDAP1):c.485-57T>A

Gene: GDAP1 (ganglioside induced differentiation associated protein 1; plus strand). Cytogenetic location: 8q21.11.
Variant type: single nucleotide variant.
Coding change: c.485-57T>A on transcript NM_018972.4 (MANE Select); 57 bases into the intron before coding-DNA position 485, T replaced by A.
Molecular consequence: intron variant.
Genome position (GRCh38, 1-based): chr8:74,361,827, T>A. VCF-style: chr8-74361827-T-A. GRCh37 (hg19) VCF-style: chr8-75274062-T-A.
Other names: c.485-57T>A (NM_001362931.2); c.311-57T>A (NM_001362930.2); c.158-57T>A (NM_001362929.2, NM_001362932.2); c.281-57T>A (NM_001040875.4).
Identifiers: ClinVar variation 670542 (VCV000670542.2), dbSNP rs116975351, ClinGen allele CA179735209.
Genomic context (GRCh38, chr8:74,361,827, plus strand): 5'-AAGCAGGGCATGAGCCCCAGAGCTCATGCTCTTGTCATTGAGTTTCTCTGCTTCTCCTTG[T>A]TACTGGTGTAGAAGGGAGAAAATAATTTTCTGTTTCCAAAATGTTTTTATTATCAGGCCA-3'

ClinVar aggregate classification (germline): Likely benign. Review status: criteria provided, multiple submitters, no conflicts (2 of 4 stars). 2 submissions from 2 submitters: Likely benign (2). Last evaluated 2018-06-14.

Allele frequency attached by ClinVar (database versions not stated): 1000 Genomes Project 0.00399; 1000 Genomes Project 30x 0.00406; gnomAD 0.00770 and 0.00793; TOPMed 0.00770; gnomAD exomes 0.01020.
gnomAD v4.1: 9,313 of 944,036 alleles (0.99%); highest among the groups gnomAD compares: Middle Eastern, 1.3%; 64 homozygotes.

Submissions (2):

GeneDx
Classification: Likely benign. Last evaluated: 2018-06-14. Review status: criteria provided, single submitter. Criteria: GeneDx Variant Classification (06012015). Collection method: clinical testing. Allele origin: germline. Affected: yes.
Comment: This variant is considered likely benign or benign based on one or more of the following criteria: it is a conservative change, it occurs at a poorly conserved position in the protein, it is predicted to be benign by multiple in silico algorithms, and/or has population frequency not consistent with disease.

Breakthrough Genomics
Classification: Likely benign. Review status: criteria provided, single submitter. Criteria: ACMG Guidelines, 2015. Collection method: not provided. Allele origin: germline. Inheritance: Autosomal recessive inheritance. Affected: yes.